The following is an entry in ClinVar:

NM_001134407.3(GRIN2A):c.2365G>C (p.Glu789Gln)

Gene: GRIN2A (glutamate ionotropic receptor NMDA type subunit 2A; minus strand). Cytogenetic location: 16p13.2.
Variant type: single nucleotide variant.
Coding change: c.2365G>C on transcript NM_001134407.3 (MANE Select); coding-DNA position 2365, G replaced by C.
Protein change: p.Glu789Gln; replaces glutamic acid 789 with glutamine.
Molecular consequence: missense variant.
Genome position (GRCh38, 1-based): chr16:9,769,081, C>G on the plus strand (G>C on the coding strand, the complement: GRIN2A is on the minus strand). VCF-style: chr16-9769081-C-G. GRCh37 (hg19) VCF-style: chr16-9862938-C-G.
Other names: c.2365G>C, p.Glu789Gln (NM_000833.5, NM_001134408.2); short protein forms E789Q.
Identifiers: ClinVar variation 5041549 (VCV005041549.1).

ClinVar aggregate classification (germline): Uncertain significance (1 of 4 stars; one submission).

Submission:

CeGaT Center for Human Genetics Tuebingen
Classification: Uncertain significance. Last evaluated: 2026-09-01. Review status: criteria provided, single submitter. Criteria: CeGaT Center For Human Genetics Tuebingen Variant Classification Criteria Version 2. Collection method: clinical testing. Allele origin: germline. Affected: yes. Observed: 1 variant allele.
Comment: GRIN2A: PM2, PP2